The following is an entry in ClinVar:

ClinVar aggregate classification (germline): Uncertain significance. Review status: criteria provided, multiple submitters, no conflicts (2 of 4 stars). 2 submissions from 2 submitters: Uncertain significance (2). Last evaluated 2025-06-09.

Conditions:
Cardiovascular phenotype. Identifiers: MedGen CN230736.
Myofibrillar myopathy 5. Also called: Filaminopathy (type); FILAMINOPATHY, AUTOSOMAL DOMINANT. Identifiers: Orphanet 171445, MedGen C1836050, MONDO:0012289, OMIM 609524.
Hypertrophic cardiomyopathy 26. Also called: Cardiomyopathy, familial hypertrophic, 26. Identifiers: Orphanet 75249, MedGen C4310749, MONDO:0014883, OMIM 617047.
Distal myopathy with posterior leg and anterior hand involvement. Also called: WILLIAMS DISTAL MYOPATHY. Identifiers: Orphanet 63273, MedGen C3279722, MONDO:0013550, OMIM 614065.

Allele frequency attached by ClinVar (database versions not stated): gnomAD exomes below 0.00001; ExAC 0.00001.
gnomAD v4.1: 2 of 1,613,896 alleles (0.00012%); highest among the groups gnomAD compares: Admixed American, 0.0033%; no homozygotes.

Submissions (2):

Labcorp Genetics (formerly Invitae), Labcorp
Classification: Uncertain significance for Distal myopathy with posterior leg and anterior hand involvement; Myofibrillar myopathy 5; Hypertrophic cardiomyopathy 26. Last evaluated: 2025-06-09. Review status: criteria provided, single submitter. Criteria: Invitae Variant Classification Sherloc (09022015). Collection method: clinical testing. Allele origin: germline.
Comment: This sequence change replaces isoleucine, which is neutral and non-polar, with valine, which is neutral and non-polar, at codon 1789 of the FLNC protein (p.Ile1789Val). This variant is present in population databases (rs772873520, gnomAD 0.006%). This variant has not been reported in the literature in individuals affected with FLNC-related conditions. ClinVar contains an entry for this variant (Variation ID: 1939623). Invitae Evidence Modeling of protein sequence and biophysical properties (such as structural, functional, and spatial information, amino acid conservation, physicochemical variation, residue mobility, and thermodynamic stability) has been performed for this missense variant. However, the output from this modeling did not meet the statistical confidence thresholds required to predict the impact of this variant on FLNC protein function. In summary, the available evidence is currently insufficient to determine the role of this variant in disease. Therefore, it has been classified as a Variant of Uncertain Significance.

Ambry Genetics
Classification: Uncertain significance for Cardiovascular phenotype. Last evaluated: 2024-05-22. Review status: criteria provided, single submitter. Criteria: Ambry Variant Classification Scheme 2023. Collection method: clinical testing. Allele origin: germline.
Comment: The p.I1789V variant (also known as c.5365A>G), located in coding exon 32 of the FLNC gene, results from an A to G substitution at nucleotide position 5365. The isoleucine at codon 1789 is replaced by valine, an amino acid with highly similar properties. This amino acid position is conserved. In addition, the in silico prediction for this alteration is inconclusive. Based on the available evidence, the clinical significance of this variant remains unclear.

NM_001458.5(FLNC):c.5365A>G (p.Ile1789Val)

Genes: FLNC-AS1 (FLNC antisense RNA 1; minus strand), FLNC (filamin C; plus strand). Cytogenetic location: 7q32.1.
Variant type: single nucleotide variant.
Coding change: c.5365A>G on transcript NM_001458.5 (MANE Select); coding-DNA position 5365, A replaced by G.
Protein change: p.Ile1789Val; replaces isoleucine 1789 with valine.
Molecular consequence: missense variant.
Genome position (GRCh38, 1-based): chr7:128,850,450, A>G. VCF-style: chr7-128850450-A-G. GRCh37 (hg19) VCF-style: chr7-128490504-A-G.
Other names: c.5266A>G, p.Ile1756Val (NM_001127487.2); short protein forms I1756V, I1789V.
Identifiers: ClinVar variation 1939623 (VCV001939623.6), dbSNP rs772873520, ClinGen allele CA4475662.
Genomic context (GRCh38, chr7:128,850,450, plus strand): 5'-GAGGAGCCAGTGGTGCCTGTGGAGCCAATGGAGTCCATGCTGAGGCCCTTCAACCTGGTC[A>G]TCCCCTTCGCGGTGCAGAAAGGGGAGCTCACAGGTACTGCCCTGTGGCTCCCAGGCATGA-3'
Protein context (NP_001449.3, residues 1779-1799): ESMLRPFNLV[Ile1789Val]PFAVQKGELT